The following continues an entry in ClinVar:

NM_000277.3(PAH):c.1243G>A (p.Asp415Asn)

Gene: PAH. ClinVar aggregate classification (germline): Pathogenic. Pathogenic (1).

Submissions 12 to 24 of 24:

Revvity Omics, Revvity
Classification: Pathogenic for Phenylketonuria. Last evaluated: 2024-01-24. Review status: criteria provided, single submitter. Criteria: ACMG Guidelines, 2015. Collection method: clinical testing. Allele origin: germline. Not counted in ClinVar's aggregate classification.

Fulgent Genetics
Classification: Pathogenic for Phenylketonuria. Last evaluated: 2021-08-23. Review status: criteria provided, single submitter. Criteria: ACMG Guidelines, 2015. Collection method: clinical testing. Allele origin: unknown. Not counted in ClinVar's aggregate classification.

GeneDx
Classification: Pathogenic. Last evaluated: 2021-06-30. Review status: criteria provided, single submitter. Criteria: GeneDx Variant Classification Process June 2021. Collection method: clinical testing. Allele origin: germline. Affected: yes. Not counted in ClinVar's aggregate classification.
Comment: Reported previously in association with mild hyperphenylalaninemia (Economou-Petersen et al., 1992; Guldberg et al., 1994; Trunzo et al., 2014); Functional studies found that this variant is associated with approximately 35% enzyme activity compared to wild-type (Himmelreich et al., 2018); Associated with BH4 responsiveness (Zurfluh et al., 2008); This variant is associated with the following publications: (PMID: 30037505, 17935162, 31980526, 29499199, 29749107, 12501224, 27264808, 8088845, 24296287, 8929956, 11161839, 8406445, 9634518, 1358789, 22513348, 23500595)

Quest Diagnostics Nichols Institute San Juan Capistrano
Classification: Pathogenic. Last evaluated: 2020-12-15. Review status: criteria provided, single submitter. Criteria: Quest Diagnostics criteria. Collection method: clinical testing. Allele origin: unknown. Not counted in ClinVar's aggregate classification.
Comment: This variant is known to be associated with hyperphenylalaninemia and mild PKU. It is associated with residual PAH expression and activity and has been reported as compound heterozygous in multiple individuals with BH4-responsive hyperphenylalaninemia or mild PKU (PMID: 30037505 (2018), 27469133 (2017), 26666653 (2015), 24296287 (2014), 23932990 (2013), 17935162 (2008), 9634518 (1998), 9399896 (1997)).

Myriad Genetics, Inc.
Classification: Pathogenic for Phenylketonuria. Last evaluated: 2019-12-20. Review status: criteria provided, single submitter. Criteria: Myriad Women's Health Autosomal Recessive and X-Linked Classification Criteria (2019). Collection method: clinical testing. Allele origin: unknown. Not counted in ClinVar's aggregate classification.
Comment: NM_000277.1(PAH):c.1243G>A(D415N) is classified as pathogenic in the context of phenylalanine hydroxylase deficiency and can be associated with variant or non-PKU hyperphenylalaninemia. Sources cited for classification include the following: PMID 1358789, 23500595, 24296287, 17935162, 12501224, 22513348, 9781015, 18299955, 18294361, 8088845 and 10234516. Classification of NM_000277.1(PAH):c.1243G>A(D415N) is based on the following criteria: This is a well-established pathogenic variant in the literature that has been observed more frequently in patients with clinical diagnoses than in healthy populations. Please note: this variant was assessed in the context of healthy population screening.

CeGaT Center for Human Genetics Tuebingen
Classification: Pathogenic. Last evaluated: 2019-05-01. Review status: criteria provided, single submitter. Criteria: CeGaT Center For Human Genetics Tuebingen Variant Classification Criteria Version 2. Collection method: clinical testing. Allele origin: germline. Affected: yes. Observed: 1 variant allele. Not counted in ClinVar's aggregate classification.

Illumina Laboratory Services, Illumina
Classification: Pathogenic for Phenylketonuria. Last evaluated: 2018-08-20. Review status: criteria provided, single submitter. Criteria: ICSL Variant Classification Criteria 09 May 2019. Collection method: clinical testing. Allele origin: germline. Not counted in ClinVar's aggregate classification.
Comment: Across a selection of available literature, the PAH c.1243G>A (p.Asp415Asn) missense variant has been identified in a compound heterozygous state in 19 patients (Economou-Petersen et al. 1992; Guldberg et al. 1994; Guldberg et al. 1995; Bercovich et al. 2008; Trunzo et al. 2014; Ho et al. 2014; Jeannesson-Thivisol et al. 2015). The p.Asp415Asn variant was absent from 220 controls and is reported at a frequency of 0.000358 in the Latino population of the Genome Aggregation Database. In vivo analysis of phenylalanine loading demonstrates that affected individuals with the p.Asp415Asn variant in a compound heterozygous state with a null PAH variant were able to clear the dose in 24 hours, which was consistent with the disease phenotype, and was established in several individuals affected by PAH deficiency (Economou-Petersen et al. 1992; Guldberg et al. 1995). Based on the evidence, the p.Asp415Asn variant is classified as pathogenic for phenylalanine hydroxylase deficiency. This variant was observed by ICSL as part of a predisposition screen in an ostensibly healthy population.

Women's Health and Genetics/Laboratory Corporation of America, LabCorp
Classification: Pathogenic for Hyperphenylalaninemia. Last evaluated: 2016-08-04. Review status: criteria provided, single submitter. Criteria: LabCorp Variant Classification Summary - May 2015. Collection method: clinical testing. Allele origin: germline. Not counted in ClinVar's aggregate classification.
Comment: Variant summary: The PAH c.1243G>A (p.Asp415Asn) variant involves the alteration of a conserved nucleotide. 3/4 in silico tools predict a benign outcome for this variant (SNPs&GO not captured due to low reliability index). This variant was found in 7/121346 control chromosomes at a frequency of 0.0000577, which does not exceed the estimated maximal expected allele frequency of a pathogenic PAH variant (0.0079057). The variant has been reported in numerous individuals in the literature affected with mild-pku and mild-hyperphenylalaninemia, and has been associated with BH4 responsiveness. In addition, multiple clinical diagnostic laboratories/reputable databases classified this variant as pathogenic. Taken together, this variant is classified as pathogenic.

Eurofins Ntd Llc (ga)
Classification: Pathogenic. Last evaluated: 2015-11-17. Review status: criteria provided, single submitter. Criteria: EGL Classification Definitions 2015. Collection method: clinical testing. Allele origin: germline. Observed: 8 variant alleles, 8 heterozygotes. Not counted in ClinVar's aggregate classification.

Hadassah Hebrew University Medical Center
Classification: Pathogenic for Phenylketonuria. Review status: criteria provided, single submitter. Criteria: ACMG Guidelines, 2015. Collection method: research. Allele origin: germline. Affected: no. Observed: 2 variant alleles. Not counted in ClinVar's aggregate classification.

Juno Genomics, Hangzhou Juno Genomics, Inc
Classification: Pathogenic for Phenylketonuria. Review status: criteria provided, single submitter. Criteria: ACMG Guidelines, 2015. Collection method: clinical testing. Allele origin: germline. Not counted in ClinVar's aggregate classification.
Comment: For recessive disorders, detected in trans with a pathogenic variant.;Novel missense change at an amino acid residue where a different missense change determined to be pathogenic has been seen before.

OMIM
Classification: Pathogenic for HYPERPHENYLALANINEMIA, NON-PKU. Last evaluated: 1992-09-01. Review status: no assertion criteria provided. Collection method: literature only. Allele origin: germline. Not counted in ClinVar's aggregate classification.

DeBelle Laboratory for Biochemical Genetics, MUHC/MCH RESEARCH INSTITUTE
No classification provided. Review status: no classification provided. Collection method: not provided. Allele origin: not provided. Not counted in ClinVar's aggregate classification.

Literature cited by the submitters: PubMed 1358789 (cited by 11 submitters); PubMed 12501224 (cited by 7 submitters); PubMed 18299955 (cited by 9 submitters); PubMed 23932990 (cited by 3 submitters); PubMed 24296287 (cited by 5 submitters); PubMed 17935162 (cited by 6 submitters); PubMed 39940237 (cited by Dasa); PubMed 40730740 (cited by Dasa); PubMed 9940237 (cited by Dasa); PubMed 21462123 (cited by 3billion); PubMed 30941500 (cited by Natera, Inc.); PubMed 9359039 (cited by Natera, Inc.); PubMed 8659548 (cited by Quest Diagnostics Nichols Institute San Juan Capistrano and Women's Health and Genetics/Laboratory Corporation of America, LabCorp); PubMed 9634518 (cited by Quest Diagnostics Nichols Institute San Juan Capistrano); PubMed 15557004 (cited by Quest Diagnostics Nichols Institute San Juan Capistrano); PubMed 9399896 (cited by Quest Diagnostics Nichols Institute San Juan Capistrano); PubMed 7913581 (cited by Quest Diagnostics Nichols Institute San Juan Capistrano); PubMed 23500595 (cited by Quest Diagnostics Nichols Institute San Juan Capistrano and Myriad Genetics, Inc.); PubMed 27264808 (cited by Quest Diagnostics Nichols Institute San Juan Capistrano); PubMed 11708866 (cited by Quest Diagnostics Nichols Institute San Juan Capistrano); PubMed 27469133 (cited by Quest Diagnostics Nichols Institute San Juan Capistrano); PubMed 29749107 (cited by Quest Diagnostics Nichols Institute San Juan Capistrano); PubMed 30037505 (cited by Quest Diagnostics Nichols Institute San Juan Capistrano); PubMed 26666653 (cited by 3 submitters); PubMed 22513348 (cited by Myriad Genetics, Inc.); PubMed 9781015 (cited by Myriad Genetics, Inc.); PubMed 18294361 (cited by Myriad Genetics, Inc.); PubMed 8088845 (cited by Myriad Genetics, Inc. and Illumina Laboratory Services, Illumina); PubMed 10234516 (cited by Myriad Genetics, Inc.); PubMed 24368688 (cited by Illumina Laboratory Services, Illumina and Women's Health and Genetics/Laboratory Corporation of America, LabCorp); PubMed 7556322 (cited by Illumina Laboratory Services, Illumina); PubMed 26503515 (cited by Women's Health and Genetics/Laboratory Corporation of America, LabCorp).